The following is an entry in ClinVar:

NM_000540.3(RYR1):c.1529C>T (p.Ala510Val)

Genes: RYR1 (ryanodine receptor 1; plus strand), LOC129391106 (MPRA-validated peak3472 silencer; plus strand). Cytogenetic location: 19q13.2.
Variant type: single nucleotide variant.
Coding change: c.1529C>T on transcript NM_000540.3 (MANE Select); coding-DNA position 1529, C replaced by T.
Protein change: p.Ala510Val; replaces alanine 510 with valine.
Molecular consequence: missense variant.
Genome position (GRCh38, 1-based): chr19:38,455,323, C>T. VCF-style: chr19-38455323-C-T. GRCh37 (hg19) VCF-style: chr19-38945963-C-T.
Other names: c.1529C>T, p.Ala510Val (NM_001042723.2); short protein forms A510V.
Identifiers: ClinVar variation 3719611 (VCV003719611.4).
Genomic context (GRCh38, chr19:38,455,323, plus strand): 5'-TAGACCGCCTAAATGTCTACACCACTGCTGCCCACTTTGCTGAGTTTGCAGGGGAGGAGG[C>T]AGCCGAGTCCTGGAAAGAGATTGTGAATCTTCTCTATGAACTCCTAGGTAGGGGTCCCAG-3'
Protein context (NP_000531.2, residues 500-520): AHFAEFAGEE[Ala510Val]AESWKEIVNL

ClinVar aggregate classification (germline): Uncertain significance. Review status: criteria provided, multiple submitters, no conflicts (2 of 4 stars). 2 submissions from 2 submitters: Uncertain significance (2). Last evaluated 2026-04-14.

Conditions:
RYR1-related disorder. Also called: RYR1-related disorders; RYR1-related condition. Identifiers: MedGen CN239331.

gnomAD v4.1: 1 of 1,614,098 alleles (0.000062%); highest among the groups gnomAD compares: Non-Finnish European, 0.000085%; no homozygotes.

Submissions (2):

GeneDx
Classification: Uncertain significance. Last evaluated: 2026-04-14. Review status: criteria provided, single submitter. Criteria: GeneDx Variant Classification Process June 2021. Collection method: clinical testing. Allele origin: germline.
Comment: Not observed at significant frequency in large population cohorts (gnomAD); In silico analysis supports that this missense variant has a deleterious effect on protein structure/function; Has not been previously published as pathogenic or benign to our knowledge; This variant is associated with the following publications: (PMID: 33767344)

Labcorp Genetics (formerly Invitae), Labcorp
Classification: Uncertain significance for RYR1-related disorder. Last evaluated: 2025-03-17. Review status: criteria provided, single submitter. Criteria: Invitae Variant Classification Sherloc (09022015). Collection method: clinical testing. Allele origin: germline.
Comment: This sequence change replaces alanine, which is neutral and non-polar, with valine, which is neutral and non-polar, at codon 510 of the RYR1 protein (p.Ala510Val). This variant is present in population databases (rs775077892, gnomAD 0.002%). This variant has not been reported in the literature in individuals affected with RYR1-related conditions. Invitae Evidence Modeling of protein sequence and biophysical properties (such as structural, functional, and spatial information, amino acid conservation, physicochemical variation, residue mobility, and thermodynamic stability) has been performed for this missense variant. However, the output from this modeling did not meet the statistical confidence thresholds required to predict the impact of this variant on RYR1 protein function. In summary, the available evidence is currently insufficient to determine the role of this variant in disease. Therefore, it has been classified as a Variant of Uncertain Significance.